The following is an entry in ClinVar:

NM_001142864.4(PIEZO1):c.819T>C (p.Ala273=)

Genes: HSALR1 (HSP90AB1 associated lncRNA 1; plus strand), PIEZO1 (piezo type mechanosensitive ion channel component 1 (Er blood group); minus strand). Cytogenetic location: 16q24.3.
Variant type: single nucleotide variant.
Coding change: c.819T>C on transcript NM_001142864.4 (MANE Select); coding-DNA position 819, T replaced by C.
Protein change: p.Ala273=; no amino-acid change (alanine 273 retained).
Molecular consequence: synonymous variant. On other transcripts: non-coding transcript variant (1).
Genome position (GRCh38, 1-based): chr16:88,738,256, A>G on the plus strand (T>C on the coding strand, the complement: PIEZO1 is on the minus strand). VCF-style: chr16-88738256-A-G. GRCh37 (hg19) VCF-style: chr16-88804664-A-G.
Other names: p.Ala273=.
Identifiers: ClinVar variation 4684158 (VCV004684158.1).
Genomic context (GRCh38, chr16:88,738,256, plus strand): 5'-AGGAAAAAGGGGCTGTGTGGCAAGCCGTTACCTAGCCCAGATGCCGGCAGGCGGGAGCAG[A>G]GCCTGTGCCAAGGGCATCTGGTAGCAGTAGAGGCAGATGAGATGGCCGGCGCCGAAGCAC-3'
Protein context (NP_001136336.2, residues 263-283): LYCYQMPLAQ[Ala273=]LLPPAGIWAR

ClinVar aggregate classification (germline): Likely benign (1 of 4 stars; one submission).

Submission:

Mayo Clinic Laboratories, Mayo Clinic
Classification: Likely benign. Last evaluated: 2025-04-30. Review status: criteria provided, single submitter. Criteria: ACMG Guidelines, 2015. Collection method: clinical testing. Allele origin: germline. Observed: 1 variant allele.
Comment: BP4, BP7, PM2_supporting